The following is an entry in ClinVar:

NM_000179.3(MSH6):c.1178C>T (p.Ala393Val)

Gene: MSH6 (mutS homolog 6; plus strand). Cytogenetic location: 2p16.3.
Variant type: single nucleotide variant.
Coding change: c.1178C>T on transcript NM_000179.3 (MANE Select); coding-DNA position 1178, C replaced by T.
Protein change: p.Ala393Val; replaces alanine 393 with valine.
Molecular consequence: missense variant.
Genome position (GRCh38, 1-based): chr2:47,799,161, C>T. VCF-style: chr2-47799161-C-T. GRCh37 (hg19) VCF-style: chr2-48026300-C-T.
Other names: c.788C>T, p.Ala263Val (NM_001281492.2); c.272C>T, p.Ala91Val (NM_001281493.2, NM_001281494.2); short protein forms A393V, A91V, A263V.
Identifiers: ClinVar variation 632909 (VCV000632909.3), dbSNP rs764110569, ClinGen allele CA346742361.
Genomic context (GRCh38, chr2:47,799,161, plus strand): 5'-TTAAGGAGGAAAAGAGAAGAGATGAGCACAGGAGGAGGCCTGATCACCCCGATTTTGATG[C>T]ATCTACACTCTATGTGCCTGAGGATTTCCTCAATTCTTGTACTCCTGGGATGAGGAAGTG-3'
Protein context (NP_000170.1, residues 383-403): RRRPDHPDFD[Ala393Val]STLYVPEDFL

ClinVar aggregate classification (germline): Uncertain significance. Review status: criteria provided, multiple submitters, no conflicts (2 of 4 stars). 2 submissions from 2 submitters: Uncertain significance (2). Last evaluated 2020-08-10.

Conditions:
Hereditary cancer-predisposing syndrome. Also called: Tumor predisposition; Neoplastic Syndromes, Hereditary; Hereditary neoplastic syndrome; Hereditary Cancer Syndrome. Identifiers: Orphanet 140162, MedGen C0027672, MeSH D009386, MONDO:0015356.

Submissions (2):

Ambry Genetics
Classification: Uncertain significance for Hereditary cancer-predisposing syndrome. Last evaluated: 2020-08-10. Review status: criteria provided, single submitter. Criteria: Ambry Variant Classification Scheme 2023. Collection method: clinical testing. Allele origin: germline.
Comment: The p.A393V variant (also known as c.1178C>T), located in coding exon 4 of the MSH6 gene, results from a C to T substitution at nucleotide position 1178. The alanine at codon 393 is replaced by valine, an amino acid with similar properties. This amino acid position is not well conserved in available vertebrate species. In addition, this alteration is predicted to be tolerated by in silico analysis. Since supporting evidence is limited at this time, the clinical significance of this alteration remains unclear.

Women's Health and Genetics/Laboratory Corporation of America, LabCorp
Classification: Uncertain significance. Last evaluated: 2018-12-20. Review status: criteria provided, single submitter. Criteria: LabCorp Variant Classification Summary - May 2015. Collection method: clinical testing. Allele origin: germline.
Comment: Variant summary: MSH6 c.1178C>T (p.Ala393Val) results in a non-conservative amino acid change in the encoded protein sequence. Three of five in-silico tools predict a benign effect of the variant on protein function. The variant was absent in 245882 control chromosomes (gnomAD). The available data on variant occurrences in the general population are insufficient to allow any conclusion about variant significance. To our knowledge, no occurrence of c.1178C>T in individuals affected with Lynch Syndrome and no experimental evidence demonstrating its impact on protein function have been reported. No clinical diagnostic laboratories have submitted clinical-significance assessments for this variant to ClinVar after 2014. Based on the evidence outlined above, the variant was classified as uncertain significance.